The following is an entry in ClinVar:

ClinVar aggregate classification (germline): Uncertain significance (1 of 4 stars; one submission).

Allele frequency attached by ClinVar (database versions not stated): TOPMed below 0.00001.

Submission:

Labcorp Genetics (formerly Invitae), Labcorp
Classification: Uncertain significance. Last evaluated: 2023-06-07. Review status: criteria provided, single submitter. Criteria: Invitae Variant Classification Sherloc (09022015). Collection method: clinical testing. Allele origin: germline.
Comment: This variant is not present in population databases (gnomAD no frequency). This sequence change replaces alanine, which is neutral and non-polar, with threonine, which is neutral and polar, at codon 1280 of the LAMC3 protein (p.Ala1280Thr). This variant has not been reported in the literature in individuals affected with LAMC3-related conditions. Algorithms developed to predict the effect of missense changes on protein structure and function output the following: SIFT: "Not Available"; PolyPhen-2: "Benign"; Align-GVGD: "Not Available". The threonine amino acid residue is found in multiple mammalian species, which suggests that this missense change does not adversely affect protein function. In summary, the available evidence is currently insufficient to determine the role of this variant in disease. Therefore, it has been classified as a Variant of Uncertain Significance.

NM_006059.4(LAMC3):c.3838G>A (p.Ala1280Thr)

Gene: LAMC3 (laminin subunit gamma 3; plus strand). Cytogenetic location: 9q34.12.
Variant type: single nucleotide variant.
Coding change: c.3838G>A on transcript NM_006059.4 (MANE Select); coding-DNA position 3838, G replaced by A.
Protein change: p.Ala1280Thr; replaces alanine 1280 with threonine.
Molecular consequence: missense variant.
Genome position (GRCh38, 1-based): chr9:131,079,209, G>A. VCF-style: chr9-131079209-G-A. GRCh37 (hg19) VCF-style: chr9-133954596-G-A.
Other names: short protein forms A1280T.
Identifiers: ClinVar variation 2876126 (VCV002876126.2), dbSNP rs1830190882, ClinGen allele CA375262748.
Genomic context (GRCh38, chr9:131,079,209, plus strand): 5'-CCTCAGAAGTCCCGGGCTGAAGACCTGGGCCTGAAGGCGAAGGCCCTGGAGAAGACAGTT[G>A]CATCATGGCAGCACATGGCCACTGAGGCTGCCCGAACCCTCCAGACTGCTGCCCAGGCGA-3'
Protein context (NP_006050.3, residues 1270-1290): LKAKALEKTV[Ala1280Thr]SWQHMATEAA